The following is an entry in ClinVar:

ClinVar aggregate classification (germline): Uncertain significance. Review status: criteria provided, multiple submitters, no conflicts (2 of 4 stars). 2 submissions from 2 submitters: Uncertain significance (2). Last evaluated 2023-09-12.

Submissions (2):

Labcorp Genetics (formerly Invitae), Labcorp
Classification: Uncertain significance. Last evaluated: 2023-09-12. Review status: criteria provided, single submitter. Criteria: Invitae Variant Classification Sherloc (09022015). Collection method: clinical testing. Allele origin: germline.
Comment: Advanced modeling of protein sequence and biophysical properties (such as structural, functional, and spatial information, amino acid conservation, physicochemical variation, residue mobility, and thermodynamic stability) performed at Invitae indicates that this missense variant is not expected to disrupt MYH9 protein function. In summary, the available evidence is currently insufficient to determine the role of this variant in disease. Therefore, it has been classified as a Variant of Uncertain Significance. ClinVar contains an entry for this variant (Variation ID: 1307689). This variant has not been reported in the literature in individuals affected with MYH9-related conditions. This variant is not present in population databases (gnomAD no frequency). This sequence change replaces glutamine, which is neutral and polar, with glutamic acid, which is acidic and polar, at codon 1188 of the MYH9 protein (p.Gln1188Glu).

GeneDx
Classification: Uncertain significance. Last evaluated: 2019-08-19. Review status: criteria provided, single submitter. Criteria: GeneDx Variant Classification Process June 2021. Collection method: clinical testing. Allele origin: germline. Affected: yes.
Comment: Not observed in large population cohorts (Lek et al., 2016); In silico analysis, which includes protein predictors and evolutionary conservation, supports that this variant does not alter protein structure/function; Has not been previously published as pathogenic or benign to our knowledge

NM_002473.6(MYH9):c.3562C>G (p.Gln1188Glu)

Gene: MYH9 (myosin heavy chain 9; minus strand). Cytogenetic location: 22q12.3.
Variant type: single nucleotide variant.
Coding change: c.3562C>G on transcript NM_002473.6 (MANE Select); coding-DNA position 3562, C replaced by G.
Protein change: p.Gln1188Glu; replaces glutamine 1188 with glutamic acid.
Molecular consequence: missense variant.
Genome position (GRCh38, 1-based): chr22:36,295,000, G>C on the plus strand (C>G on the coding strand, the complement: MYH9 is on the minus strand). VCF-style: chr22-36295000-G-C. GRCh37 (hg19) VCF-style: chr22-36691046-G-C.
Other names: short protein forms Q1188E.
Identifiers: ClinVar variation 1307689 (VCV001307689.5), dbSNP rs2016766439, ClinGen allele CA411387621.
Genomic context (GRCh38, chr22:36,295,000, plus strand): 5'-TCTGCTCCAGCTGCTCCGCCAGCTCCTCCACGGCCTGTGAGTGCTTCTGCCTCATCTCCT[G>C]GATCTGGGCCTCGTGGGTCTTGGCCTCCTCCTCCAGGGTCTTCTTCAGGATGTTCACCTC-3'
Protein context (NP_002464.1, residues 1178-1198): EEAKTHEAQI[Gln1188Glu]EMRQKHSQAV